The following is an entry in ClinVar:

NM_007272.3(CTRC):c.253G>C (p.Ala85Pro)

Gene: CTRC (chymotrypsin C; plus strand). Cytogenetic location: 1p36.21.
Variant type: single nucleotide variant.
Coding change: c.253G>C on transcript NM_007272.3 (MANE Select); coding-DNA position 253, G replaced by C.
Protein change: p.Ala85Pro; replaces alanine 85 with proline.
Molecular consequence: missense variant.
Genome position (GRCh38, 1-based): chr1:15,442,469, G>C. VCF-style: chr1-15442469-G-C. GRCh37 (hg19) VCF-style: chr1-15768965-G-C.
Other names: short protein forms A85P.
Identifiers: ClinVar variation 2626253 (VCV002626253.2), dbSNP rs2526294330, ClinGen allele CA338565356.
Genomic context (GRCh38, chr1:15,442,469, plus strand): 5'-AGGGGGCCACCCTGACCTGGACCCCTTCCTCTGCCCAGCAACACCCGGACCTACCGTGTG[G>C]CCGTGGGAAAGAACAACCTGGAGGTGGAAGACGAAGAAGGATCCCTGTTTGTGGGTGTGG-3'
Protein context (NP_009203.2, residues 75-95): CISNTRTYRV[Ala85Pro]VGKNNLEVED

ClinVar aggregate classification (germline): Uncertain significance (1 of 4 stars; one submission).

Conditions:
Hereditary pancreatitis (PCTT). Also called: PRSS1-Related Hereditary Pancreatitis; Hereditary chronic pancreatitis. Identifiers: Orphanet 676, MedGen C0238339, MONDO:0008185, OMIM 167800.

Submission:

Ambry Genetics
Classification: Uncertain significance for Hereditary pancreatitis. Last evaluated: 2023-07-12. Review status: criteria provided, single submitter. Criteria: Ambry Variant Classification Scheme 2023. Collection method: clinical testing. Allele origin: germline.
Comment: The p.A85P variant (also known as c.253G>C), located in coding exon 4 of the CTRC gene, results from a G to C substitution at nucleotide position 253. The alanine at codon 85 is replaced by proline, an amino acid with highly similar properties. This amino acid position is conserved. In addition, the in silico prediction for this alteration is inconclusive. Since supporting evidence is limited at this time, the clinical significance of this alteration remains unclear.